The following is an entry in ClinVar:

NM_000051.4(ATM):c.668A>G (p.Glu223Gly)

Gene: ATM (ATM serine/threonine kinase; plus strand). Cytogenetic location: 11q22.3.
Variant type: single nucleotide variant.
Coding change: c.668A>G on transcript NM_000051.4 (MANE Select); coding-DNA position 668, A replaced by G.
Protein change: p.Glu223Gly; replaces glutamic acid 223 with glycine.
Molecular consequence: missense variant.
Genome position (GRCh38, 1-based): chr11:108,244,793, A>G. VCF-style: chr11-108244793-A-G. GRCh37 (hg19) VCF-style: chr11-108115520-A-G.
Other names: c.668A>G, p.Glu223Gly (NM_001351834.2); short protein forms E223G.
Identifiers: ClinVar variation 186862 (VCV000186862.31), dbSNP rs776227830, ClinGen allele CA196075.

ClinVar aggregate classification (germline): Uncertain significance. Review status: criteria provided, multiple submitters, no conflicts (2 of 4 stars). 8 submissions from 7 submitters: Uncertain significance (7). 1 of the submissions does not count toward it. Last evaluated 2026-08-14.

Conditions:
ATM-related disorder. Also called: ATM-related disorders; ATM-related condition.
Hereditary cancer-predisposing syndrome. Also called: Neoplastic Syndromes, Hereditary; Tumor predisposition; Hereditary neoplastic syndrome; Hereditary Cancer Syndrome. Identifiers: Orphanet 140162, MedGen C0027672, MeSH D009386, MONDO:0015356.
Familial cancer of breast. Also called: Hereditary breast cancer; BREAST CANCER, FAMILIAL; hereditary breast carcinoma. Identifiers: Orphanet 227535, MedGen C0346153, MONDO:0016419, OMIM 114480. Disease mechanism: loss of function.
Ataxia-telangiectasia syndrome (AT). Also called: Cerebello-oculocutaneous telangiectasia; Immunodeficiency with ataxia telangiectasia; AT, COMPLEMENTATION GROUP C; LOUIS-BAR SYNDROME; Ataxia-telangiectasia, complementation group E; ATAXIA-TELANGIECTASIA, COMPLEMENTATION GROUP A. Identifiers: Orphanet 100, MedGen C0004135, MONDO:0008840, OMIM 208900.

Allele frequency attached by ClinVar (database versions not stated): gnomAD exomes 0.00001 and 0.00003; TOPMed 0.00001; ExAC 0.00002.
gnomAD v4.1: 8 of 1,613,012 alleles (0.0005%); highest among the groups gnomAD compares: Admixed American, 0.013%; no homozygotes.

Submissions (8):

PreventionGenetics, part of Exact Sciences
Classification: Uncertain significance for ATM-related condition. Last evaluated: 2026-08-14. Review status: criteria provided, single submitter. Criteria: ACMG Guidelines, 2015. Collection method: clinical testing. Allele origin: germline.
Comment: The ATM c.668A>G variant is predicted to result in the amino acid substitution p.Glu223Gly. This variant has been reported in the literature in a control from a breast cancer study (Supp. Table 3, Weitzel et al. 2019. PubMed ID: 31206626) and in an individual with colorectal cancer (Table S6, Akcay et al. 2020. PubMed ID: 32658311. This variant is reported in 0.020% of alleles in individuals of Latino descent in gnomAD and is interpreted as uncertain in ClinVar (Variation ID: 186862). At this time, the clinical significance of this variant is uncertain due to the absence of conclusive functional and genetic evidence.

Labcorp Genetics (formerly Invitae), Labcorp
Classification: Uncertain significance for Ataxia-telangiectasia syndrome. Last evaluated: 2025-11-19. Review status: criteria provided, single submitter. Criteria: Invitae Variant Classification Sherloc (09022015). Collection method: clinical testing. Allele origin: germline.
Comment: This sequence change replaces glutamic acid, which is acidic and polar, with glycine, which is neutral and non-polar, at codon 223 of the ATM protein (p.Glu223Gly). This variant is present in population databases (rs776227830, gnomAD 0.02%). This variant has not been reported in the literature in individuals affected with ATM-related conditions. ClinVar contains an entry for this variant (Variation ID: 186862). Invitae Evidence Modeling of protein sequence and biophysical properties (such as structural, functional, and spatial information, amino acid conservation, physicochemical variation, residue mobility, and thermodynamic stability) indicates that this missense variant is not expected to disrupt ATM protein function with a negative predictive value of 95%. In summary, the available evidence is currently insufficient to determine the role of this variant in disease. Therefore, it has been classified as a Variant of Uncertain Significance.

Ambry Genetics
Classification: Uncertain significance for Hereditary cancer-predisposing syndrome. Last evaluated: 2025-05-14. Review status: criteria provided, single submitter. Criteria: Ambry Variant Classification Scheme 2023. Collection method: clinical testing. Allele origin: germline.
Comment: The p.E223G variant (also known as c.668A>G), located in coding exon 6 of the ATM gene, results from an A to G substitution at nucleotide position 668. The glutamic acid at codon 223 is replaced by glycine, an amino acid with similar properties. This alteration was detected in a cohort of 1054 BRCA-mutation-negative Hispanic women with hereditary breast cancer (Weitzel JN et al. Cancer, 2019 Aug;125:2829-2836). This alteration was also seen in 0/732 breast cancer patients, 1/189 colorectal cancer patients and 0/490 cancer-free elderly controls in a Turkish population (Akcay IM et al. Int J Cancer, 2021 Jan;148:285-295). This amino acid position is highly conserved in available vertebrate species. In addition, this alteration is predicted to be tolerated by in silico analysis. Since supporting evidence is limited at this time, the clinical significance of this alteration remains unclear.

Baylor Genetics
Classification: Uncertain significance for Familial cancer of breast. Last evaluated: 2024-03-03. Review status: criteria provided, single submitter. Criteria: ACMG Guidelines, 2015. Collection method: clinical testing. Allele origin: unknown.

Color Diagnostics, LLC DBA Color Health
Classification: Uncertain significance for Hereditary cancer-predisposing syndrome. Last evaluated: 2021-10-13. Review status: criteria provided, single submitter. Criteria: ACMG Guidelines, 2015. Collection method: clinical testing. Allele origin: germline.
Comment: This missense variant replaces glutamic acid with glycine at codon 223 of the ATM protein. Computational prediction suggests that this variant may not impact protein structure and function (internally defined REVEL score threshold <= 0.5, PMID: 27666373). To our knowledge, functional studies have not been reported for this variant. This variant has not been reported in individuals affected with hereditary cancer in the literature. This variant has been identified in 7/251080 chromosomes in the general population by the Genome Aggregation Database (gnomAD). The available evidence is insufficient to determine the role of this variant in disease conclusively. Therefore, this variant is classified as a Variant of Uncertain Significance.

Baylor Genetics
Classification: Uncertain significance for Ataxia-telangiectasia syndrome. Last evaluated: 2019-02-21. Review status: criteria provided, single submitter. Criteria: ACMG Guidelines, 2015. Collection method: clinical testing. Allele origin: maternal. Affected: yes. Study: CSER-TexasKidsCanSeq.
Comment: This variant was determined to be of uncertain significance according to ACMG Guidelines, 2015 [PMID:25741868].

Fulgent Genetics
Classification: Uncertain significance for Familial cancer of breast; Ataxia-telangiectasia syndrome. Last evaluated: 2018-10-31. Review status: criteria provided, single submitter. Criteria: ACMG Guidelines, 2015. Collection method: clinical testing. Allele origin: unknown.

Natera, Inc.
Classification: Uncertain significance for Ataxia-telangiectasia. Last evaluated: 2020-12-18. Review status: no assertion criteria provided. Collection method: clinical testing. Allele origin: germline. Not counted in ClinVar's aggregate classification.

Literature cited by the submitters: PubMed 31206626 (cited by Ambry Genetics); PubMed 32658311 (cited by Ambry Genetics).